The following is an entry in ClinVar:

NM_170675.5(MEIS2):c.732C>T (p.Ser244=)

Gene: MEIS2 (Meis homeobox 2; minus strand). Cytogenetic location: 15q14.
Variant type: single nucleotide variant.
Coding change: c.732C>T on transcript NM_170675.5 (MANE Select); coding-DNA position 732, C replaced by T.
Protein change: p.Ser244=; no amino-acid change (serine 244 retained).
Molecular consequence: synonymous variant. On other transcripts: non-coding transcript variant (1).
Genome position (GRCh38, 1-based): chr15:37,083,793, G>A on the plus strand (C>T on the coding strand, the complement: MEIS2 is on the minus strand). VCF-style: chr15-37083793-G-A. GRCh37 (hg19) VCF-style: chr15-37375994-G-A.
Other names: c.732C>T, p.Ser244= (NM_001220482.2, NM_170674.5, NM_170676.5 and 1 more transcripts); c.693C>T, p.Ser231= (NM_002399.4, NM_172315.3); c.468C>T, p.Ser156= (NM_172316.3).
Identifiers: ClinVar variation 532737 (VCV000532737.18), dbSNP rs61734550, ClinGen allele CA7469306.

ClinVar aggregate classification (germline): Benign/Likely benign. Review status: criteria provided, multiple submitters, no conflicts (2 of 4 stars). 3 submissions from 3 submitters: Benign (1); Likely benign (1). 1 of the submissions does not count toward it. Last evaluated 2025-11-03.

Conditions:
MEIS2-related disorder.
Cardiac malformation, cleft lip/palate, microcephaly, and digital anomalies. Also called: CLEFT PALATE, CARDIAC DEFECTS, AND IMPAIRED INTELLECTUAL DEVELOPMENT. Identifiers: MedGen C1832950, MONDO:0010970, OMIM 600987.

Allele frequency attached by ClinVar (database versions not stated): gnomAD exomes 0.00023 and 0.00061; ExAC 0.00074; gnomAD 0.00215 and 0.00230; 1000 Genomes Project 0.00220; ESP Exome Variant Server 0.00231; TOPMed 0.00264; 1000 Genomes Project 30x 0.00297.
gnomAD v4.1: 685 of 1,613,816 alleles (0.042%); highest among the groups gnomAD compares: African/African-American, 0.7%; 4 homozygotes.

Submissions (3):

Labcorp Genetics (formerly Invitae), Labcorp
Classification: Benign for Cardiac malformation, cleft lip/palate, microcephaly, and digital anomalies. Last evaluated: 2025-11-03. Review status: criteria provided, single submitter. Criteria: Invitae Variant Classification Sherloc (09022015). Collection method: clinical testing. Allele origin: germline.

Blueprint Genetics
Classification: Likely benign. Last evaluated: 2024-11-12. Review status: criteria provided, single submitter. Criteria: ACMG Guidelines, 2015. Collection method: clinical testing. Allele origin: germline.

PreventionGenetics, part of Exact Sciences
Classification: Benign for MEIS2-related condition. Last evaluated: 2021-02-03. Review status: no assertion criteria provided. Collection method: clinical testing. Allele origin: germline. Not counted in ClinVar's aggregate classification.
Comment: This variant is classified as benign based on ACMG/AMP sequence variant interpretation guidelines (Richards et al. 2015 PMID: 25741868, with internal and published modifications).